The following is an entry in ClinVar:

NM_000152.5(GAA):c.242del (p.Gln81fs)

Gene: GAA (alpha glucosidase; plus strand). Cytogenetic location: 17q25.3.
Variant type: Deletion.
Coding change: c.242del on transcript NM_000152.5 (MANE Select); coding-DNA position 242, one base deleted (A; older notation c.242delA).
Protein change: p.Gln81fs; shifts the reading frame from glutamine 81.
Molecular consequence: frameshift variant.
Genome position (GRCh38, 1-based): chr17:80,104,828, A deleted. VCF-style (leftmost placement, unchanged base first): chr17-80104827-CA-C. GRCh37 (hg19) VCF-style: chr17-78078626-CA-C.
Other names: c.242del, p.Gln81fs (NM_001079803.3, NM_001079804.3, NM_001406741.1 and 1 more transcripts); short protein forms Q81fs.
Identifiers: ClinVar variation 2919347 (VCV002919347.4), dbSNP rs2510345577, ClinGen allele CA2739265767.

ClinVar aggregate classification (germline): Pathogenic. Review status: criteria provided, multiple submitters, no conflicts (2 of 4 stars). 2 submissions from 2 submitters: Pathogenic (2). Last evaluated 2026-07-01.

Conditions:
Glycogen storage disease, type II (IOPD). Also called: CARDIOMEGALIA GLYCOGENICA DIFFUSA; GLYCOGENOSIS, GENERALIZED, CARDIAC FORM; GSD II; Glycogen storage disease type 2; Acid maltase deficiency disease; Aglucosidase alfa. Identifiers: Orphanet 365, MedGen C0017921, MONDO:0009290, OMIM 232300.

Submissions (2):

Genomenon, Inc
Classification: Pathogenic for Glycogen storage disease, type II. Last evaluated: 2026-07-01. Review status: criteria provided, single submitter. Criteria: Genomenon Sequence Variant Interpretation Standards - Updated. Collection method: curation. Allele origin: germline. Affected: yes.
Comment: GAA p.Gln81ArgfsTer61 (c.242del) is a frameshift variant that is predicted to introduce a premature termination codon and result in a truncated or absent protein product. This variant has been observed in at least one proband with a GAA-related disorder (PMID:35477515). It is absent or not present at a significant frequency in gnomAD. In conclusion, we classify GAA p.Gln81ArgfsTer61 (c.242del) as a pathogenic variant.

Labcorp Genetics (formerly Invitae), Labcorp
Classification: Pathogenic for Glycogen storage disease, type II. Last evaluated: 2023-12-14. Review status: criteria provided, single submitter. Criteria: Invitae Variant Classification Sherloc (09022015). Collection method: clinical testing. Allele origin: germline.
Comment: This sequence change creates a premature translational stop signal (p.Gln81Argfs*61) in the GAA gene. It is expected to result in an absent or disrupted protein product. Loss-of-function variants in GAA are known to be pathogenic (PMID: 18425781, 22252923). This variant is not present in population databases (gnomAD no frequency). This variant has not been reported in the literature in individuals affected with GAA-related conditions. For these reasons, this variant has been classified as Pathogenic.

Literature cited by the submitters: PubMed 35477515 (cited by Genomenon, Inc); PubMed 18425781 (cited by Labcorp Genetics (formerly Invitae), Labcorp); PubMed 22252923 (cited by Labcorp Genetics (formerly Invitae), Labcorp).